The following is an entry in ClinVar:

NM_002471.4(MYH6):c.77C>G (p.Ala26Gly)

Genes: MYH6 (myosin heavy chain 6; minus strand), LOC114827851 (VISTA enhancer hs2155; plus strand). Cytogenetic location: 14q11.2.
Variant type: single nucleotide variant.
Coding change: c.77C>G on transcript NM_002471.4 (MANE Select); coding-DNA position 77, C replaced by G.
Protein change: p.Ala26Gly; replaces alanine 26 with glycine.
Molecular consequence: missense variant.
Genome position (GRCh38, 1-based): chr14:23,407,147, G>C on the plus strand (C>G on the coding strand, the complement: MYH6 is on the minus strand). VCF-style: chr14-23407147-G-C. GRCh37 (hg19) VCF-style: chr14-23876356-G-C.
Other names: short protein forms A26G.
Identifiers: ClinVar variation 407145 (VCV000407145.14), dbSNP rs559973480, ClinGen allele CA7116272.

ClinVar aggregate classification (germline): Uncertain significance. Review status: criteria provided, multiple submitters, no conflicts (2 of 4 stars). 2 submissions from 2 submitters: Uncertain significance (2). Last evaluated 2024-10-27.

Conditions:
Cardiovascular phenotype. Identifiers: MedGen CN230736.
Hypertrophic cardiomyopathy 14. Identifiers: MedGen C2750467, MONDO:0013197, OMIM 613251.

Allele frequency attached by ClinVar (database versions not stated): gnomAD exomes 0.00005 and 0.00003; gnomAD 0.00001; TOPMed 0.00003; ExAC 0.00006; 1000 Genomes Project 0.00020; 1000 Genomes Project 30x 0.00031.
gnomAD v4.1: 51 of 1,614,272 alleles (0.0032%); highest among the groups gnomAD compares: Admixed American, 0.018%; no homozygotes.

Submissions (2):

Ambry Genetics
Classification: Uncertain significance for Cardiovascular phenotype. Last evaluated: 2024-10-27. Review status: criteria provided, single submitter. Criteria: Ambry Variant Classification Scheme 2023. Collection method: clinical testing. Allele origin: germline.
Comment: The p.A26G variant (also known as c.77C>G), located in coding exon 1 of the MYH6 gene, results from a C to G substitution at nucleotide position 77. The alanine at codon 26 is replaced by glycine, an amino acid with similar properties. This amino acid position is well conserved in available vertebrate species. In addition, the in silico prediction for this alteration is inconclusive. Since supporting evidence is limited at this time, the clinical significance of this alteration remains unclear.

Labcorp Genetics (formerly Invitae), Labcorp
Classification: Uncertain significance for Hypertrophic cardiomyopathy 14. Last evaluated: 2024-07-15. Review status: criteria provided, single submitter. Criteria: Invitae Variant Classification Sherloc (09022015). Collection method: clinical testing. Allele origin: germline.
Comment: This sequence change replaces alanine, which is neutral and non-polar, with glycine, which is neutral and non-polar, at codon 26 of the MYH6 protein (p.Ala26Gly). This variant is present in population databases (rs559973480, gnomAD 0.03%). This variant has not been reported in the literature in individuals affected with MYH6-related conditions. ClinVar contains an entry for this variant (Variation ID: 407145). Advanced modeling of protein sequence and biophysical properties (such as structural, functional, and spatial information, amino acid conservation, physicochemical variation, residue mobility, and thermodynamic stability) performed at Invitae indicates that this missense variant is not expected to disrupt MYH6 protein function with a negative predictive value of 80%. In summary, the available evidence is currently insufficient to determine the role of this variant in disease. Therefore, it has been classified as a Variant of Uncertain Significance.